The following is an entry in ClinVar:

NM_002016.2(FLG):c.9721G>T (p.Gly3241Ter)

Genes: CCDST (cervical cancer associated DHX9 suppressive transcript; plus strand), FLG (filaggrin; minus strand). Cytogenetic location: 1q21.3.
Variant type: single nucleotide variant.
Coding change: c.9721G>T on transcript NM_002016.2 (MANE Select); coding-DNA position 9721, G replaced by T.
Protein change: p.Gly3241Ter; replaces glycine 3241 with a stop codon.
Molecular consequence: nonsense.
Genome position (GRCh38, 1-based): chr1:152,305,165, C>A on the plus strand (G>T on the coding strand, the complement: FLG is on the minus strand). VCF-style: chr1-152305165-C-A. GRCh37 (hg19) VCF-style: chr1-152277641-C-A.
Other names: short protein forms G3241*.
Identifiers: ClinVar variation 2571789 (VCV002571789.2), dbSNP rs202019721, ClinGen allele CA1103715.

ClinVar aggregate classification (germline): Pathogenic (1 of 4 stars; one submission).

Allele frequency attached by ClinVar (database versions not stated): gnomAD 0.00001; TOPMed 0.00001; ExAC 0.00002.
gnomAD v4.1: 23 of 1,613,720 alleles (0.0014%); highest among the groups gnomAD compares: South Asian, 0.0066%; no homozygotes.

Submission:

GeneDx
Classification: Pathogenic. Last evaluated: 2025-07-08. Review status: criteria provided, single submitter. Criteria: GeneDx Variant Classification Process June 2021. Collection method: clinical testing. Allele origin: germline. Affected: yes.
Comment: Nonsense variant predicted to result in protein truncation, as the last 821 amino acids are lost, and other loss-of-function variants have been reported downstream; Has not been previously published as pathogenic or benign to our knowledge